The following is an entry in ClinVar:

ClinVar aggregate classification (germline): Benign/Likely benign. Review status: criteria provided, multiple submitters, no conflicts (2 of 4 stars). 11 submissions from 11 submitters: Benign (3); Likely benign (4). 4 of the submissions do not count toward it. Last evaluated 2026-09-01.

Conditions:
AARS2-related disorder. Also called: AARS2-related disorders; AARS2-related condition. Identifiers: MedGen CN381518, MONDO:1060240.
Combined oxidative phosphorylation defect type 8. Also called: CARDIOMYOPATHY, HYPERTROPHIC MITOCHONDRIAL, FATAL INFANTILE. Identifiers: Orphanet 319504, MedGen C4518839, MONDO:0013570, OMIM 614096.

Allele frequency attached by ClinVar (database versions not stated): 1000 Genomes Project 30x 0.00094; 1000 Genomes Project 0.00100; gnomAD 0.00210; ExAC 0.00249; gnomAD exomes 0.00263; TOPMed 0.00280; ESP Exome Variant Server 0.00369.

Submissions (11):

CeGaT Center for Human Genetics Tuebingen
Classification: Likely benign. Last evaluated: 2026-09-01. Review status: criteria provided, single submitter. Criteria: CeGaT Center For Human Genetics Tuebingen Variant Classification Criteria Version 2. Collection method: clinical testing. Allele origin: germline. Affected: yes. Observed: 26 variant alleles.
Comment: AARS2: BP4, BP7, BS2

Labcorp Genetics (formerly Invitae), Labcorp
Classification: Benign. Last evaluated: 2026-01-11. Review status: criteria provided, single submitter. Criteria: Invitae Variant Classification Sherloc (09022015). Collection method: clinical testing. Allele origin: germline.

Molecular Diagnostic Laboratory for Inherited Cardiovascular Disease, Montreal Heart Institute
Classification: Benign. Last evaluated: 2025-04-09. Review status: criteria provided, single submitter. Criteria: ACMG Guidelines, 2015. Collection method: clinical testing. Allele origin: germline. Affected: no.

Blueprint Genetics
Classification: Likely benign. Last evaluated: 2024-11-19. Review status: criteria provided, single submitter. Criteria: ACMG Guidelines, 2015. Collection method: clinical testing. Allele origin: germline.

Illumina Laboratory Services, Illumina
Classification: Likely benign for Combined oxidative phosphorylation defect type 8. Last evaluated: 2018-01-13. Review status: criteria provided, single submitter. Criteria: ICSL Variant Classification Criteria 13 December 2019. Collection method: clinical testing. Allele origin: germline.
Comment: This variant was observed in the ICSL laboratory as part of a predisposition screen in an ostensibly healthy population. It had not been previously curated by ICSL or reported in the Human Gene Mutation Database (HGMD: prior to June 1st, 2018), and was therefore a candidate for classification through an automated scoring system. Utilizing variant allele frequency, disease prevalence and penetrance estimates, and inheritance mode, an automated score was calculated to assess if this variant is too frequent to cause the disease. Based on the score and internal cut-off values, a variant classified as likely benign is not then subjected to further curation. The score for this variant resulted in a classification of likely benign for this disease.

GeneDx
Classification: Benign. Last evaluated: 2014-03-03. Review status: criteria provided, single submitter. Criteria: GeneDx Variant Classification (06012015). Collection method: clinical testing. Allele origin: germline. Affected: yes.
Comment: This variant is considered likely benign or benign based on one or more of the following criteria: it is a conservative change, it occurs at a poorly conserved position in the protein, it is predicted to be benign by multiple in silico algorithms, and/or has population frequency not consistent with disease.

Breakthrough Genomics
Classification: Likely benign. Review status: criteria provided, single submitter. Criteria: ACMG Guidelines, 2015. Collection method: not provided. Allele origin: germline. Inheritance: Autosomal recessive inheritance. Affected: yes.

PreventionGenetics, part of Exact Sciences
Classification: Likely benign for AARS2-related condition. Last evaluated: 2019-07-23. Review status: no assertion criteria provided. Collection method: clinical testing. Allele origin: germline. Not counted in ClinVar's aggregate classification.
Comment: This variant is classified as likely benign based on ACMG/AMP sequence variant interpretation guidelines (Richards et al. 2015 PMID: 25741868, with internal and published modifications).

Mayo Clinic Laboratories, Mayo Clinic
Classification: Likely benign. Last evaluated: 2016-02-29. Review status: no assertion criteria provided. Collection method: clinical testing. Allele origin: unknown. Not counted in ClinVar's aggregate classification.

Clinical Genetics DNA and cytogenetics Diagnostics Lab, Erasmus MC, Erasmus Medical Center
Classification: Likely benign. Review status: no assertion criteria provided. Collection method: clinical testing. Allele origin: germline. Affected: yes. Study: VKGL Data-share Consensus. Not counted in ClinVar's aggregate classification.

Laboratory of Diagnostic Genome Analysis, Leiden University Medical Center (LUMC)
Classification: Likely benign. Review status: no assertion criteria provided. Collection method: clinical testing. Allele origin: germline. Affected: yes. Study: VKGL Data-share Consensus. Not counted in ClinVar's aggregate classification.

NM_020745.4(AARS2):c.2253G>A (p.Gly751=)

Gene: AARS2 (alanyl-tRNA synthetase 2, mitochondrial; minus strand). Cytogenetic location: 6p21.1.
Variant type: single nucleotide variant.
Coding change: c.2253G>A on transcript NM_020745.4 (MANE Select); coding-DNA position 2253, G replaced by A.
Protein change: p.Gly751=; no amino-acid change (glycine 751 retained).
Molecular consequence: synonymous variant.
Genome position (GRCh38, 1-based): chr6:44,303,068, C>T on the plus strand (G>A on the coding strand, the complement: AARS2 is on the minus strand). VCF-style: chr6-44303068-C-T. GRCh37 (hg19) VCF-style: chr6-44270805-C-T.
Other names: p.G751G:GGG>GGA.
Identifiers: ClinVar variation 136215 (VCV000136215.57), dbSNP rs78397386, ClinGen allele CA289180.